The following is an entry in ClinVar:

ClinVar aggregate classification (germline): Uncertain significance (1 of 4 stars; one submission).

Conditions:
Early-infantile DEE. Also called: Early infantile epileptic encephalopathy; Ohtahara syndrome; Early infantile epileptic encephalopathy with suppression bursts. Identifiers: Orphanet 1934, MedGen C0393706, MONDO:0800491.

gnomAD v4.1: 1 of 1,611,152 alleles (0.000062%); highest among the groups gnomAD compares: Admixed American, 0.0017%; no homozygotes.

Submission:

Labcorp Genetics (formerly Invitae), Labcorp
Classification: Uncertain significance for Early-infantile DEE. Last evaluated: 2025-02-07. Review status: criteria provided, single submitter. Criteria: Invitae Variant Classification Sherloc (09022015). Collection method: clinical testing. Allele origin: germline.
Comment: This sequence change replaces glutamine, which is neutral and polar, with leucine, which is neutral and non-polar, at codon 217 of the SPTAN1 protein (p.Gln217Leu). This variant is present in population databases (rs765740646, gnomAD 0.003%). This variant has not been reported in the literature in individuals affected with SPTAN1-related conditions. An algorithm developed to predict the effect of missense changes on protein structure and function (PolyPhen-2) suggests that this variant is likely to be tolerated. In summary, the available evidence is currently insufficient to determine the role of this variant in disease. Therefore, it has been classified as a Variant of Uncertain Significance.

NM_001130438.3(SPTAN1):c.650A>T (p.Gln217Leu)

Gene: SPTAN1 (spectrin alpha, non-erythrocytic 1; plus strand). Cytogenetic location: 9q34.11.
Variant type: single nucleotide variant.
Coding change: c.650A>T on transcript NM_001130438.3 (MANE Select); coding-DNA position 650, A replaced by T.
Protein change: p.Gln217Leu; replaces glutamine 217 with leucine.
Molecular consequence: missense variant.
Genome position (GRCh38, 1-based): chr9:128,575,344, A>T. VCF-style: chr9-128575344-A-T. GRCh37 (hg19) VCF-style: chr9-131337623-A-T.
Other names: c.650A>T, p.Gln217Leu (NM_001195532.2, NM_001363759.2, NM_001363765.2 and 10 more transcripts); c.686A>T, p.Gln229Leu (NM_001375312.2, NM_001375318.1, NM_001438440.1); short protein forms Q229L, Q217L.
Identifiers: ClinVar variation 4712538 (VCV004712538.1).